The following is an entry in ClinVar:

ClinVar aggregate classification (germline): Uncertain significance (1 of 4 stars; one submission).

Allele frequency attached by ClinVar (database versions not stated): gnomAD exomes below 0.00001.
gnomAD v4.1: 1 of 1,612,968 alleles (0.000062%); highest among the groups gnomAD compares: Non-Finnish European, 0.000085%; no homozygotes.

Submission:

Labcorp Genetics (formerly Invitae), Labcorp
Classification: Uncertain significance. Last evaluated: 2023-04-27. Review status: criteria provided, single submitter. Criteria: Invitae Variant Classification Sherloc (09022015). Collection method: clinical testing. Allele origin: germline.
Comment: In summary, the available evidence is currently insufficient to determine the role of this variant in disease. Therefore, it has been classified as a Variant of Uncertain Significance. An algorithm developed to predict the effect of missense changes on protein structure and function (PolyPhen-2) suggests that this variant is likely to be disruptive. ClinVar contains an entry for this variant (Variation ID: 2008073). This variant has not been reported in the literature in individuals affected with MSH3-related conditions. This variant is not present in population databases (gnomAD no frequency). This sequence change replaces cysteine, which is neutral and slightly polar, with tyrosine, which is neutral and polar, at codon 274 of the MSH3 protein (p.Cys274Tyr).

NM_002439.5(MSH3):c.821G>A (p.Cys274Tyr)

Gene: MSH3 (mutS homolog 3; plus strand). Cytogenetic location: 5q14.1.
Variant type: single nucleotide variant.
Coding change: c.821G>A on transcript NM_002439.5 (MANE Select); coding-DNA position 821, G replaced by A.
Protein change: p.Cys274Tyr; replaces cysteine 274 with tyrosine.
Molecular consequence: missense variant.
Genome position (GRCh38, 1-based): chr5:80,672,272, G>A. VCF-style: chr5-80672272-G-A. GRCh37 (hg19) VCF-style: chr5-79968091-G-A.
Other names: short protein forms C274Y.
Identifiers: ClinVar variation 2008073 (VCV002008073.4), dbSNP rs2546722372, ClinGen allele CA360267106.